The following is an entry in ClinVar:

NM_012082.4(ZFPM2):c.95C>T (p.Thr32Ile)

Gene: ZFPM2 (zinc finger protein, FOG family member 2; plus strand). Cytogenetic location: 8q23.1.
Variant type: single nucleotide variant.
Coding change: c.95C>T on transcript NM_012082.4 (MANE Select); coding-DNA position 95, C replaced by T.
Protein change: p.Thr32Ile; replaces threonine 32 with isoleucine.
Molecular consequence: missense variant. On other transcripts: 5 prime UTR variant (1), intron variant (1).
Genome position (GRCh38, 1-based): chr8:105,419,198, C>T. VCF-style: chr8-105419198-C-T. GRCh37 (hg19) VCF-style: chr8-106431426-C-T.
Other names: c.-302C>T (NM_001362837.2); c.41-25082C>T (NM_001362836.2); short protein forms T32I.
Identifiers: ClinVar variation 3390494 (VCV003390494.1).

ClinVar aggregate classification (germline): Uncertain significance (1 of 4 stars; one submission).

gnomAD v4.1: 1 of 1,613,586 alleles (0.000062%); highest among the groups gnomAD compares: Admixed American, 0.0017%; no homozygotes.

Submission:

GeneDx
Classification: Uncertain significance. Last evaluated: 2024-06-13. Review status: criteria provided, single submitter. Criteria: GeneDx Variant Classification Process June 2021. Collection method: clinical testing. Allele origin: germline. Affected: yes.
Comment: Not observed at significant frequency in large population cohorts (gnomAD); In silico analysis indicates that this missense variant does not alter protein structure/function; Has not been previously published as pathogenic or benign to our knowledge